The following is an entry in ClinVar:

NM_001042492.3(NF1):c.1830_1833del (p.Leu612fs)

Gene: NF1 (neurofibromin 1; plus strand). Cytogenetic location: 17q11.2.
Variant type: Deletion.
Coding change: c.1830_1833del on transcript NM_001042492.3 (MANE Select); coding-DNA positions 1830 to 1833, 4 bases deleted (TCTT; older notation c.1830_1833delTCTT).
Protein change: p.Leu612fs; shifts the reading frame from leucine 612.
Molecular consequence: frameshift variant.
Genome position (GRCh38, 1-based): chr17:31,223,552-31,223,555, TCTT deleted; deleting any 4 consecutive bases within chr17:31,223,550-31,223,555 gives the same sequence; the c. name uses the placement nearest the transcript's 3' end. VCF-style (leftmost placement, unchanged base first): chr17-31223549-ATTTC-A. GRCh37 (hg19) VCF-style: chr17-29550567-ATTTC-A.
Other names: c.1830_1833delTCTT, p.Leu612Lysfs (NM_000267.4); short protein forms L612fs.
Identifiers: ClinVar variation 965680 (VCV000965680.6), dbSNP rs2066964073, ClinGen allele CA1139665413.

ClinVar aggregate classification (germline): Pathogenic. Review status: criteria provided, multiple submitters, no conflicts (2 of 4 stars). 2 submissions from 2 submitters: Pathogenic (2). Last evaluated 2025-02-13.

Conditions:
Neurofibromatosis, type 1 (NF1). Also called: Neurofibromatosis, type I; Peripheral type neurofibromatosis; VON RECKLINGHAUSEN DISEASE; NEUROFIBROMATOSIS, TYPE I, SOMATIC. Identifiers: Orphanet 636, MedGen C0027831, MONDO:0018975, OMIM 162200. Disease mechanism: loss of function.

Submissions (2):

GeneDx
Classification: Pathogenic. Last evaluated: 2025-02-13. Review status: criteria provided, single submitter. Criteria: GeneDx Variant Classification Process June 2021. Collection method: clinical testing. Allele origin: germline. Affected: yes.
Comment: Frameshift variant predicted to result in protein truncation or nonsense mediated decay in a gene for which loss of function is a known mechanism of disease; Not observed at significant frequency in large population cohorts (gnomAD); This variant is associated with the following publications: (PMID: 19142971, 31766501)

Labcorp Genetics (formerly Invitae), Labcorp
Classification: Pathogenic for Neurofibromatosis, type 1. Last evaluated: 2019-10-20. Review status: criteria provided, single submitter. Criteria: Invitae Variant Classification Sherloc (09022015). Collection method: clinical testing. Allele origin: germline.
Comment: For these reasons, this variant has been classified as Pathogenic. Loss-of-function variants in NF1 are known to be pathogenic (PMID: 10712197, 23913538). This variant has been observed in an individual affected with neurofibromatosis type 1 (PMID: 19142971). This variant is also descirbed as c.1830_1836del4 in the literature. This variant is not present in population databases (ExAC no frequency). This sequence change creates a premature translational stop signal (p.Leu612Lysfs*18) in the NF1 gene. It is expected to result in an absent or disrupted protein product.

Literature cited by the submitters: PubMed 10712197 (cited by Labcorp Genetics (formerly Invitae), Labcorp); PubMed 23913538 (cited by Labcorp Genetics (formerly Invitae), Labcorp); PubMed 19142971 (cited by Labcorp Genetics (formerly Invitae), Labcorp).